The following is an entry in ClinVar:

ClinVar aggregate classification (germline): Likely benign. Review status: criteria provided, multiple submitters, no conflicts (2 of 4 stars). 3 submissions from 3 submitters: Likely benign (2). 1 of the submissions does not count toward it. Last evaluated 2024-09-02.

Conditions:
Familial acute necrotizing encephalopathy (IIAE3). Also called: ENCEPHALOPATHY, ACUTE, INFECTION-INDUCED, SUSCEPTIBILITY TO, 3; Susceptibility to Acute Necrotizing Encephalopathy 1. Identifiers: Orphanet 88619, MedGen C2675556, MONDO:0011953, OMIM 608033.
RANBP2-related disorder. Also called: RANBP2-related condition.

Allele frequency attached by ClinVar (database versions not stated): ExAC 0.00003; gnomAD exomes 0.00004 and 0.00005; TOPMed 0.00009; gnomAD 0.00013 and 0.00014; ESP Exome Variant Server 0.00015.
gnomAD v4.1: 99 of 1,612,826 alleles (0.0061%); highest among the groups gnomAD compares: African/African-American, 0.031%; no homozygotes.

Submissions (3):

Blueprint Genetics
Classification: Likely benign. Last evaluated: 2024-09-02. Review status: criteria provided, single submitter. Criteria: ACMG Guidelines, 2015. Collection method: clinical testing. Allele origin: germline.

Labcorp Genetics (formerly Invitae), Labcorp
Classification: Likely benign for Familial acute necrotizing encephalopathy. Last evaluated: 2020-10-21. Review status: criteria provided, single submitter. Criteria: Invitae Variant Classification Sherloc (09022015). Collection method: clinical testing. Allele origin: germline.

PreventionGenetics, part of Exact Sciences
Classification: Likely benign for RANBP2-related condition. Last evaluated: 2019-02-22. Review status: no assertion criteria provided. Collection method: clinical testing. Allele origin: germline. Not counted in ClinVar's aggregate classification.
Comment: This variant is classified as likely benign based on ACMG/AMP sequence variant interpretation guidelines (Richards et al. 2015 PMID: 25741868, with internal and published modifications).

NM_006267.5(RANBP2):c.8031C>T (p.Phe2677=)

Gene: RANBP2 (RAN binding protein 2; plus strand). Cytogenetic location: 2q13.
Variant type: single nucleotide variant.
Coding change: c.8031C>T on transcript NM_006267.5 (MANE Select); coding-DNA position 8031, C replaced by T.
Protein change: p.Phe2677=; no amino-acid change (phenylalanine 2677 retained).
Molecular consequence: synonymous variant.
Genome position (GRCh38, 1-based): chr2:108,772,499, C>T. VCF-style: chr2-108772499-C-T. GRCh37 (hg19) VCF-style: chr2-109388955-C-T.
Other names: c.8031C>T (NM_006267.4).
Identifiers: ClinVar variation 1111183 (VCV001111183.13), dbSNP rs143766371, ClinGen allele CA1823737.